The following is an entry in ClinVar:

ClinVar aggregate classification (germline): Uncertain significance (1 of 4 stars; one submission).

Conditions:
Epileptic encephalopathy. Identifiers: MedGen C0543888, HP:0200134.

Allele frequency attached by ClinVar (database versions not stated): gnomAD exomes below 0.00001; TOPMed below 0.00001; ExAC 0.00001; gnomAD 0.00001.

Submission:

Labcorp Genetics (formerly Invitae), Labcorp
Classification: Uncertain significance for Epileptic encephalopathy. Last evaluated: 2023-08-02. Review status: criteria provided, single submitter. Criteria: Invitae Variant Classification Sherloc (09022015). Collection method: clinical testing. Allele origin: germline.
Comment: In summary, the available evidence is currently insufficient to determine the role of this variant in disease. Therefore, it has been classified as a Variant of Uncertain Significance. An algorithm developed to predict the effect of missense changes on protein structure and function (PolyPhen-2) suggests that this variant is likely to be tolerated. This variant has not been reported in the literature in individuals affected with FASN-related conditions. This variant is present in population databases (rs752284387, gnomAD 0.0009%). This sequence change replaces histidine, which is basic and polar, with arginine, which is basic and polar, at codon 1884 of the FASN protein (p.His1884Arg).

NM_004104.5(FASN):c.5651A>G (p.His1884Arg)

Gene: FASN (fatty acid synthase; minus strand). Cytogenetic location: 17q25.3.
Variant type: single nucleotide variant.
Coding change: c.5651A>G on transcript NM_004104.5 (MANE Select); coding-DNA position 5651, A replaced by G.
Protein change: p.His1884Arg; replaces histidine 1884 with arginine.
Molecular consequence: missense variant.
Genome position (GRCh38, 1-based): chr17:82,083,030, T>C on the plus strand (A>G on the coding strand, the complement: FASN is on the minus strand). VCF-style: chr17-82083030-T-C. GRCh37 (hg19) VCF-style: chr17-80040906-T-C.
Other names: short protein forms H1884R.
Identifiers: ClinVar variation 2781713 (VCV002781713.3), dbSNP rs752284387, ClinGen allele CA8851603.